The following is an entry in ClinVar:

ClinVar aggregate classification (germline): Uncertain significance. Review status: criteria provided, multiple submitters, no conflicts (2 of 4 stars). 3 submissions from 3 submitters: Uncertain significance (3). Last evaluated 2026-04-07.

Conditions:
Inborn genetic diseases. Identifiers: MedGen C0950123, MeSH D030342.

Allele frequency attached by ClinVar (database versions not stated): ExAC 0.00002.
gnomAD v4.1: 133 of 1,612,078 alleles (0.0083%); highest among the groups gnomAD compares: Non-Finnish European, 0.011%; no homozygotes.

Submissions (3):

Women's Health and Genetics/Laboratory Corporation of America, LabCorp
Classification: Uncertain significance. Last evaluated: 2026-04-07. Review status: criteria provided, single submitter. Criteria: LabCorp Variant Classification Summary - May 2015. Collection method: clinical testing. Allele origin: germline.

Ambry Genetics
Classification: Uncertain significance for Inborn genetic diseases. Last evaluated: 2024-11-10. Review status: criteria provided, single submitter. Criteria: Ambry Variant Classification Scheme 2023. Collection method: clinical testing. Allele origin: germline.

Labcorp Genetics (formerly Invitae), Labcorp
Classification: Uncertain significance. Last evaluated: 2021-10-13. Review status: criteria provided, single submitter. Criteria: Invitae Variant Classification Sherloc (09022015). Collection method: clinical testing. Allele origin: germline.
Comment: This sequence change replaces aspartic acid with glutamic acid at codon 589 of the C8B protein (p.Asp589Glu). The aspartic acid residue is weakly conserved and there is a small physicochemical difference between aspartic acid and glutamic acid. The frequency data for this variant in the population databases is considered unreliable, as metrics indicate poor data quality at this position in the ExAC database. This variant has not been reported in the literature in individuals affected with C8B-related conditions. Algorithms developed to predict the effect of missense changes on protein structure and function (SIFT, PolyPhen-2, Align-GVGD) all suggest that this variant is likely to be tolerated. In summary, the available evidence is currently insufficient to determine the role of this variant in disease. Therefore, it has been classified as a Variant of Uncertain Significance.

NM_000066.4(C8B):c.1767C>G (p.Asp589Glu)

Gene: C8B (complement C8 beta chain; minus strand). Cytogenetic location: 1p32.2.
Variant type: single nucleotide variant.
Coding change: c.1767C>G on transcript NM_000066.4 (MANE Select); coding-DNA position 1767, C replaced by G.
Protein change: p.Asp589Glu; replaces aspartic acid 589 with glutamic acid.
Molecular consequence: missense variant.
Genome position (GRCh38, 1-based): chr1:56,929,413, G>C on the plus strand (C>G on the coding strand, the complement: C8B is on the minus strand). VCF-style: chr1-56929413-G-C. GRCh37 (hg19) VCF-style: chr1-57395086-G-C.
Other names: c.1767C>G (NM_000066.2); c.1611C>G, p.Asp537Glu (NM_001278543.2); c.1581C>G, p.Asp527Glu (NM_001278544.2); short protein forms D537E, D589E, D527E.
Identifiers: ClinVar variation 1523012 (VCV001523012.5), dbSNP rs752783592, ClinGen allele CA875526.